The following is an entry in ClinVar:

NM_139276.3(STAT3):c.1979T>C (p.Met660Thr)

Gene: STAT3 (signal transducer and activator of transcription 3; minus strand). Cytogenetic location: 17q21.2.
Variant type: single nucleotide variant.
Coding change: c.1979T>C on transcript NM_139276.3 (MANE Select); coding-DNA position 1979, T replaced by C.
Protein change: p.Met660Thr; replaces methionine 660 with threonine.
Molecular consequence: missense variant.
Genome position (GRCh38, 1-based): chr17:42,322,404, A>G on the plus strand (T>C on the coding strand, the complement: STAT3 is on the minus strand). VCF-style: chr17-42322404-A-G. GRCh37 (hg19) VCF-style: chr17-40474422-A-G.
Other names: p.Met660Thr; c.1979T>C, p.Met660Thr (NM_001369512.1, NM_001369513.1, NM_001369514.1 and 9 more transcripts); c.1895T>C, p.Met632Thr (NM_001384984.1); c.1901T>C, p.Met634Thr (NM_001384985.1); c.1994T>C, p.Met665Thr (NM_001384986.1, NM_001384990.1); c.1958T>C, p.Met653Thr (NM_001384987.1); c.1883T>C, p.Met628Thr (NM_001384989.1); c.1952T>C, p.Met651Thr (NM_001384991.1); and 1 more; short protein forms M660T, M628T, M632T, M634T, M640T, M651T, M653T, M665T.
Identifiers: ClinVar variation 265261 (VCV000265261.13), dbSNP rs886039434, ClinGen allele CA10588650.

ClinVar aggregate classification (germline): Pathogenic/Likely pathogenic. Review status: criteria provided, multiple submitters, no conflicts (2 of 4 stars). 5 submissions from 5 submitters: Pathogenic (3); Likely pathogenic (2). Last evaluated 2024-10-04.

Conditions:
STAT3 gain of function. Identifiers: MedGen C4288261.
Hyper-IgE recurrent infection syndrome 1, autosomal dominant. Also called: Job's Syndrome; Hyper-IgE recurrent infection syndrome 1; JOB SYNDROME; STAT3 Hyper IgE Syndrome; HYPER-IgE SYNDROME 1, AUTOSOMAL DOMINANT, WITH RECURRENT INFECTIONS. Identifiers: Orphanet 2314, MedGen C2936739, MONDO:0007818, OMIM 147060.
Hyper-IgE syndrome. Also called: Hyper-IgE recurrent infection syndrome. Identifiers: Orphanet 331223, MedGen C3887645, MONDO:0018037.

Submissions (5):

Dubai Health Genomic Medicine Center, Dubai Health
Classification: Pathogenic for Hyper-IgE recurrent infection syndrome. Last evaluated: 2024-10-04. Review status: criteria provided, single submitter. Criteria: ACMG Guidelines, 2015. Collection method: research. Allele origin: germline. Affected: yes.
Comment: PS2,PS3,PM2,PP3

Mayo Clinic Laboratories, Mayo Clinic
Classification: Pathogenic. Last evaluated: 2024-02-26. Review status: criteria provided, single submitter. Criteria: ACMG Guidelines, 2015. Collection method: clinical testing. Allele origin: germline. Observed: 1 variant allele.
Comment: PP2, PP3, PM1, PM2, PM6, PS3_supporting, PS4

Labcorp Genetics (formerly Invitae), Labcorp
Classification: Pathogenic for STAT3 gain of function; Hyper-IgE recurrent infection syndrome 1, autosomal dominant. Last evaluated: 2018-09-10. Review status: criteria provided, single submitter. Criteria: Invitae Variant Classification Sherloc (09022015). Collection method: clinical testing. Allele origin: germline.
Comment: For these reasons, this variant has been classified as Pathogenic. This variant disrupts the p.Met660 amino acid residue in STAT3. Other variant(s) that disrupt this residue have been observed in affected individuals (PMID: 21792878), which suggests that this may be a clinically significant amino acid residue. Experimental studies have shown that this missense change disrupts protein function (PMID: 28315006, 29868029). This variant has been observed in individuals affected with hyper IgE syndrome, including an individual in which the variant occurred de novo (PMID: PMID: 20816194, 28315006). ClinVar contains an entry for this variant (Variation ID: 265261). This variant is not present in population databases (ExAC no frequency). This sequence change replaces methionine with threonine at codon 660 of the STAT3 protein (p.Met660Thr). The methionine residue is highly conserved and there is a moderate physicochemical difference between methionine and threonine.

Women's Health and Genetics/Laboratory Corporation of America, LabCorp
Classification: Likely pathogenic for Hyper-IgE syndrome. Last evaluated: 2016-08-15. Review status: criteria provided, single submitter. Criteria: LabCorp Variant Classification Summary - May 2015. Collection method: clinical testing. Allele origin: germline.
Comment: Variant summary: The STAT3 c.1979T>C (p.Met660Thr) variant involves the alteration of a conserved nucleotide located in the Src homology domain 2 of STAT3 and results in a replacement of a medium size and hydrophobic Methionine (M) with a medium size and polar Threonine (T). 4/4 in silico tools predict a damaging outcome for this substitution (SNPs&GO not captured due to low reliability index). This variant is absent in 121612 control chromosomes while it was reported in Hyper IgE Syndrome patients indicating pathogenicity. Moreover, in one patient, the variant emerged de novo strongly suggesting a deleterious outcome. Studies assessing the impact the variant may have on the function of the STAT3 protein were not published at the time of classification. Taken together, this variant is classified as probably pathogenic.

GeneDx
Classification: Likely pathogenic. Last evaluated: 2016-03-22. Review status: criteria provided, single submitter. Criteria: GeneDx Variant Classification (06012015). Collection method: clinical testing. Allele origin: germline. Affected: yes.
Comment: The M660T variant has been published in association with hyper IgE syndrome (Schimke et al., 2010). The M660T variant was not observed in approximately 6,500 individuals of European and African American ancestry in the NHLBI Exome Sequencing Project, indicating it is not a common benign variant in these populations. The M660T variant is a non-conservative amino acid substitution, which is likely to impact secondary protein structure as these residues differ in polarity, charge, size and/or other properties. This substitution occurs at a position located within the SH2 domain that is conserved across species. In silico analysis predicts this variant is probably damaging to the protein structure/function. Therefore, this variant is likely pathogenic.

Literature cited by the submitters: PubMed 20816194 (cited by 3 submitters); PubMed 21792878 (cited by Mayo Clinic Laboratories, Mayo Clinic and Labcorp Genetics (formerly Invitae), Labcorp); PubMed 28315006 (cited by Mayo Clinic Laboratories, Mayo Clinic and Labcorp Genetics (formerly Invitae), Labcorp); PubMed 29868029 (cited by Mayo Clinic Laboratories, Mayo Clinic and Labcorp Genetics (formerly Invitae), Labcorp); PubMed 32662942 (cited by Mayo Clinic Laboratories, Mayo Clinic); PubMed 33717144 (cited by Mayo Clinic Laboratories, Mayo Clinic); PubMed 35753512 (cited by Mayo Clinic Laboratories, Mayo Clinic); PubMed 27226025 (cited by Women's Health and Genetics/Laboratory Corporation of America, LabCorp).